The following is an entry in ClinVar:

NM_000891.3(KCNJ2):c.80C>A (p.Ala27Glu)

Gene: KCNJ2 (potassium inwardly rectifying channel subfamily J member 2; plus strand). Cytogenetic location: 17q24.3.
Variant type: single nucleotide variant.
Coding change: c.80C>A on transcript NM_000891.3 (MANE Select); coding-DNA position 80, C replaced by A.
Protein change: p.Ala27Glu; replaces alanine 27 with glutamic acid.
Molecular consequence: missense variant.
Genome position (GRCh38, 1-based): chr17:70,175,119, C>A. VCF-style: chr17-70175119-C-A. GRCh37 (hg19) VCF-style: chr17-68171260-C-A.
Other names: short protein forms A27E.
Identifiers: ClinVar variation 4885978 (VCV004885978.2).
Genomic context (GRCh38, chr17:70,175,119, plus strand): 5'-ACCGCTACAGCATCGTCTCTTCAGAAGAAGACGGTATGAAGTTGGCCACCATGGCAGTTG[C>A]AAATGGCTTTGGGAACGGGAAGAGTAAAGTCCACACCCGACAACAGTGCAGGAGCCGCTT-3'
Protein context (NP_000882.1, residues 17-37): DGMKLATMAV[Ala27Glu]NGFGNGKSKV

ClinVar aggregate classification (germline): Uncertain significance (1 of 4 stars; one submission).

Submission:

Dasa
Classification: Uncertain significance. Last evaluated: 2025-11-10. Review status: criteria provided, single submitter. Criteria: DASA Assertion Criteria. Collection method: clinical testing. Allele origin: germline.
Comment: NM_000891.3(KCNJ2):c.80C>A (p.Ala27Glu) is a missense variant that results in the substitution of alanine with glutamic acid. This variant is absent from population databases. The currently available literature and clinical evidence are not sufficient to establish a definitive association between this variant and the reported condition. Therefore, this variant is classified as a variant of uncertain significance.